The following is an entry in ClinVar:

ClinVar aggregate classification (germline): Likely pathogenic (1 of 4 stars; one submission).

Conditions:
Neurodevelopmental disorder with craniofacial dysmorphism and skeletal defects (NEDCDS). Identifiers: Orphanet 662207, MedGen C5774235, MONDO:0859301, OMIM 620083.

Submission:

Victorian Clinical Genetics Services, Murdoch Childrens Research Institute
Classification: Likely pathogenic for Neurodevelopmental disorder with craniofacial dysmorphism and skeletal defects. Last evaluated: 2024-10-09. Review status: criteria provided, single submitter. Criteria: ACMG Guidelines, 2015. Collection method: clinical testing. Allele origin: germline. Inheritance: Autosomal dominant inheritance. Affected: yes.
Comment: Based on the classification scheme VCGS_Germline_v1.3.4, this variant is classified as Likely pathogenic. Following criteria are met: 0102 - Loss of function is a known mechanism of disease in this gene and is associated with neurodevelopmental disorder with craniofacial dysmorphism and skeletal defects (MIM#620083). (I) 0107 - This gene is associated with autosomal dominant disease. (I) 0205 - Variant is predicted to result in a truncated protein (premature termination codon is NOT located at least 54 nucleotides upstream of the final exon-exon junction) with less than 1/3 of the protein sequence affected. (SP) 0251 - This variant is heterozygous. (I) 0301 - Variant is absent from gnomAD (both v2 and v3). (SP) 0704 - Other downstream truncating variants comparable to the one identified in this case have limited previous evidence for pathogenicity. p.(Gln415Profs*30) was identified in an individual with intellectual disability, white matter abnormalities, joint laxity and hypotonia (PMID: 32335897) and p.(Ser446Thrfs*5) was reported in an individual with autism, developmental delay, seizures and failure to thrive (ClinVar; GeneDx personal communication). (SP) 0807 - This variant has no previous evidence of pathogenicity. (I) 0905 - No published segregation evidence has been identified for this variant. (I) 1007 - No published functional evidence has been identified for this variant. (SP) Legend: (SP) - Supporting pathogenic, (I) - Information, (SB) - Supporting benign

Literature cited by the submitters: PubMed 32335897.

NM_001257293.2(HNRNPH1):c.1216_1220del (p.Ser406fs)

Genes: HNRNPH1 (heterogeneous nuclear ribonucleoprotein H1; minus strand), LOC128966623 (uncharacterized LOC128966623; plus strand). Cytogenetic location: 5q35.3.
Variant type: Deletion.
Coding change: c.1216_1220del on transcript NM_001257293.2 (MANE Select); coding-DNA positions 1216 to 1220, 5 bases deleted (TCCAG; older notation c.1216_1220delTCCAG).
Protein change: p.Ser406fs; shifts the reading frame from serine 406.
Molecular consequence: frameshift variant.
Genome position (GRCh38, 1-based): chr5:179,616,206-179,616,210, CTGGA deleted on the plus strand (TCCAG on the coding strand, the reverse complement: HNRNPH1 is on the minus strand); deleting any 5 consecutive bases within chr5:179,616,206-179,616,214 gives the same sequence; the c. name uses the placement nearest the transcript's 3' end. VCF-style (leftmost placement, unchanged base first): chr5-179616205-GCTGGA-G. GRCh37 (hg19) VCF-style: chr5-179043206-GCTGGA-G.
Other names: c.1156_1160del, p.Ser386fs (NM_001363572.2, NM_001364230.2, NM_001364232.2 and 5 more transcripts); c.1216_1220del, p.Ser406fs (NM_001364225.2, NM_001364226.2, NM_001364227.2 and 11 more transcripts); c.1225_1229del, p.Ser409fs (NM_001364231.2, NM_001395176.1); c.1135_1139del, p.Ser379fs (NM_001364240.2, NM_001364248.2); c.1195_1199del, p.Ser399fs (NM_001364241.2, NM_001364242.2, NM_001364243.2 and 3 more transcripts); c.1186_1190del, p.Ser396fs (NM_001364244.2, NM_001395181.1, NM_001395187.1 and 1 more transcripts); c.1060_1064del, p.Ser354fs (NM_001364250.2); c.613_617del, p.Ser205fs (NM_001364251.2, NM_001364252.2, NM_001364253.2 and 3 more transcripts); and 7 more; short protein forms S195fs, S205fs, S269fs, S280fs, S300fs, S329fs, S354fs, S379fs.
Identifiers: ClinVar variation 3377121 (VCV003377121.1).